The following is an entry in ClinVar:

ClinVar aggregate classification (germline): Conflicting classifications of pathogenicity. Review status: criteria provided, conflicting classifications (1 of 4 stars). 2 submissions from 2 submitters: Uncertain significance (1); Likely benign (1). Last evaluated 2023-05-17.

Conditions:
Inborn genetic diseases. Identifiers: MedGen C0950123, MeSH D030342.
Deficiency of isobutyryl-CoA dehydrogenase. Also called: ACYL-CoA DEHYDROGENASE FAMILY, MEMBER 8, DEFICIENCY OF; IBD DEFICIENCY; ACAD8 DEFICIENCY. Identifiers: Orphanet 79159, MedGen C1969809, MONDO:0012648, OMIM 611283.

Allele frequency attached by ClinVar (database versions not stated): TOPMed below 0.00001; gnomAD exomes 0.00001 and 0.00004; ExAC 0.00003.
gnomAD v4.1: 14 of 1,614,194 alleles (0.00087%); highest among the groups gnomAD compares: East Asian, 0.022%; no homozygotes.

Submissions (2):

Ambry Genetics
Classification: Likely benign for Inborn genetic diseases. Last evaluated: 2023-05-17. Review status: criteria provided, single submitter. Criteria: Ambry Variant Classification Scheme 2023. Collection method: clinical testing. Allele origin: germline.

Labcorp Genetics (formerly Invitae), Labcorp
Classification: Uncertain significance for Deficiency of isobutyryl-CoA dehydrogenase. Last evaluated: 2017-09-28. Review status: criteria provided, single submitter. Criteria: Invitae Variant Classification Sherloc (09022015). Collection method: clinical testing. Allele origin: germline.
Comment: This sequence change replaces asparagine with serine at codon 335 of the ACAD8 protein (p.Asn335Ser). The asparagine residue is moderately conserved and there is a small physicochemical difference between asparagine and serine. This variant is present in population databases (rs768954546, ExAC 0.03%). This variant has not been reported in the literature in individuals with ACAD8-related disease. Algorithms developed to predict the effect of missense changes on protein structure and function output the following: SIFT: "Tolerated"; PolyPhen-2: "Benign"; Align-GVGD: "Class C0". The serine amino acid residue is found in multiple mammalian species, suggesting that this missense change does not adversely affect protein function. These predictions have not been confirmed by published functional studies and their clinical significance is uncertain. Algorithms developed to predict the effect of sequence changes on RNA splicing suggest that this variant may create or strengthen a splice site, but this prediction has not been confirmed by published transcriptional studies. In summary, the available evidence is currently insufficient to determine the role of this variant in disease. Therefore, it has been classified as a Variant of Uncertain Significance.

NM_014384.3(ACAD8):c.1004A>G (p.Asn335Ser)

Gene: ACAD8 (acyl-CoA dehydrogenase family member 8; plus strand). Cytogenetic location: 11q25.
Variant type: single nucleotide variant.
Coding change: c.1004A>G on transcript NM_014384.3 (MANE Select); coding-DNA position 1004, A replaced by G.
Protein change: p.Asn335Ser; replaces asparagine 335 with serine.
Molecular consequence: missense variant.
Genome position (GRCh38, 1-based): chr11:134,261,802, A>G. VCF-style: chr11-134261802-A-G. GRCh37 (hg19) VCF-style: chr11-134131696-A-G.
Other names: short protein forms N335S.
Identifiers: ClinVar variation 536741 (VCV000536741.3), dbSNP rs768954546, ClinGen allele CA6373196.
Genomic context (GRCh38, chr11:134,261,802, plus strand): 5'-TGCAATTCACACTGGCTGATATGGCAACAAGGCTGGTGGCCGCGCGGCTGATGGTCCGCA[A>G]TGCAGCAGTGGCTCTGCAGGAGGAGAGGAAGGATGCAGTGGCCTTGTGCTCCATGGCCAA-3'
Protein context (NP_055199.1, residues 325-345): RLVAARLMVR[Asn335Ser]AAVALQEERK